The following is an entry in ClinVar:

NM_004655.4(AXIN2):c.2394G>C (p.Lys798Asn)

Gene: AXIN2 (axin 2; minus strand). Cytogenetic location: 17q24.1.
Variant type: single nucleotide variant.
Coding change: c.2394G>C on transcript NM_004655.4 (MANE Select); coding-DNA position 2394, G replaced by C.
Protein change: p.Lys798Asn; replaces lysine 798 with asparagine.
Molecular consequence: missense variant.
Genome position (GRCh38, 1-based): chr17:65,533,923, C>G on the plus strand (G>C on the coding strand, the complement: AXIN2 is on the minus strand). VCF-style: chr17-65533923-C-G. GRCh37 (hg19) VCF-style: chr17-63530041-C-G.
Other names: c.2394G>C (LRG_296t1); c.2199G>C, p.Lys733Asn (NM_001363813.1); short protein forms K798N, K733N.
Identifiers: ClinVar variation 566909 (VCV000566909.8), dbSNP rs878854726, ClinGen allele CA400675337.

ClinVar aggregate classification (germline): Uncertain significance (1 of 4 stars; one submission).

Conditions:
Oligodontia-cancer predisposition syndrome. Also called: TOOTH AGENESIS-COLORECTAL CANCER SYNDROME. Identifiers: Orphanet 300576, MedGen C1837750, MONDO:0012075, OMIM 608615. Disease mechanism: loss of function.

Submission:

Labcorp Genetics (formerly Invitae), Labcorp
Classification: Uncertain significance for Oligodontia-cancer predisposition syndrome. Last evaluated: 2022-02-18. Review status: criteria provided, single submitter. Criteria: Invitae Variant Classification Sherloc (09022015). Collection method: clinical testing. Allele origin: germline.
Comment: In summary, the available evidence is currently insufficient to determine the role of this variant in disease. Therefore, it has been classified as a Variant of Uncertain Significance. Algorithms developed to predict the effect of missense changes on protein structure and function (SIFT, PolyPhen-2, Align-GVGD) all suggest that this variant is likely to be disruptive. ClinVar contains an entry for this variant (Variation ID: 566909). This variant has not been reported in the literature in individuals affected with AXIN2-related conditions. This variant is not present in population databases (gnomAD no frequency). This sequence change replaces lysine, which is basic and polar, with asparagine, which is neutral and polar, at codon 798 of the AXIN2 protein (p.Lys798Asn).